The following is an entry in ClinVar:

ClinVar aggregate classification (germline): Uncertain significance. Review status: criteria provided, multiple submitters, no conflicts (2 of 4 stars). 2 submissions from 2 submitters: Uncertain significance (2). Last evaluated 2025-02-05.

Conditions:
Pancytopenia-developmental delay syndrome. Also called: Bone marrow failure syndrome 2. Identifiers: Orphanet 401764, MedGen C3810350, MONDO:0014317, OMIM 615715.

Allele frequency attached by ClinVar (database versions not stated): gnomAD exomes below 0.00001; TOPMed 0.00002; gnomAD 0.00003.
gnomAD v4.1: 7 of 1,297,566 alleles (0.00054%); highest among the groups gnomAD compares: African/African-American, 0.0076%; no homozygotes.

Submissions (2):

St. Jude Molecular Pathology, St. Jude Children's Research Hospital
Classification: Uncertain significance for Pancytopenia-developmental delay syndrome. Last evaluated: 2025-02-05. Review status: criteria provided, single submitter. Criteria: St. Jude Assertion Criteria 2020. Collection method: clinical testing. Allele origin: germline.
Comment: The ERCC6L2 c.3745T>C (p.Ser1249Pro) missense change has a maximum subpopulation frequency of 0.034% in gnomAD v2.1.1. The in silico tool REVEL predicts a benign effect of this variant on protein function, but to our knowledge functional studies have not been performed. To our knowledge, this variant has not been reported in individuals with ERCC6L2-related bone marrow failure syndrome. In summary, the evidence currently available is insufficient to determine the clinical significance of this variant. It has therefore been classified as of uncertain significance.

Labcorp Genetics (formerly Invitae), Labcorp
Classification: Uncertain significance. Last evaluated: 2024-12-12. Review status: criteria provided, single submitter. Criteria: Invitae Variant Classification Sherloc (09022015). Collection method: clinical testing. Allele origin: germline.
Comment: This sequence change replaces serine, which is neutral and polar, with proline, which is neutral and non-polar, at codon 1249 of the ERCC6L2 protein (p.Ser1249Pro). This variant is present in population databases (no rsID available, gnomAD 0.03%). This variant has not been reported in the literature in individuals affected with ERCC6L2-related conditions. ClinVar contains an entry for this variant (Variation ID: 1495370). Experimental studies and prediction algorithms are not available or were not evaluated, and the functional significance of this variant is currently unknown. In summary, the available evidence is currently insufficient to determine the role of this variant in disease. Therefore, it has been classified as a Variant of Uncertain Significance.

NM_020207.7(ERCC6L2):c.3712T>C (p.Ser1238Pro)

Gene: ERCC6L2 (ERCC excision repair 6 like 2; plus strand). Cytogenetic location: 9q22.32.
Variant type: single nucleotide variant.
Coding change: c.3712T>C on transcript NM_020207.7 (MANE Select); coding-DNA position 3712, T replaced by C.
Protein change: p.Ser1238Pro; replaces serine 1238 with proline.
Molecular consequence: missense variant. On other transcripts: non-coding transcript variant (1), intron variant (2).
Genome position (GRCh38, 1-based): chr9:96,012,262, T>C. VCF-style: chr9-96012262-T-C. GRCh37 (hg19) VCF-style: chr9-98774544-T-C.
Other names: c.3745T>C (NM_020207.5); c.3674+7561T>C (NM_001375291.1, NM_001375292.1); short protein forms S1238P.
Identifiers: ClinVar variation 1495370 (VCV001495370.9), dbSNP rs897461109, ClinGen allele CA196590563.